The following is an entry in ClinVar:

ClinVar aggregate classification (germline): Uncertain significance (1 of 4 stars; one submission).

Submission:

GeneDx
Classification: Uncertain significance. Last evaluated: 2024-10-28. Review status: criteria provided, single submitter. Criteria: GeneDx Variant Classification Process June 2021. Collection method: clinical testing. Allele origin: germline. Affected: yes.
Comment: Not observed at significant frequency in large population cohorts (gnomAD); In silico analysis supports that this missense variant has a deleterious effect on protein structure/function; Has not been previously published as pathogenic or benign to our knowledge

NM_017934.7(PHIP):c.3329G>A (p.Gly1110Glu)

Genes: IRAK1BP1 (interleukin 1 receptor associated kinase 1 binding protein 1; plus strand), PHIP (PHIP subunit of CUL4-Ring ligase complex; minus strand). Cytogenetic location: 6q14.1.
Variant type: single nucleotide variant.
Coding change: c.3329G>A on transcript NM_017934.7 (MANE Select); coding-DNA position 3329, G replaced by A.
Protein change: p.Gly1110Glu; replaces glycine 1110 with glutamic acid.
Molecular consequence: missense variant.
Genome position (GRCh38, 1-based): chr6:78,965,753, C>T on the plus strand (G>A on the coding strand, the complement: PHIP is on the minus strand). VCF-style: chr6-78965753-C-T. GRCh37 (hg19) VCF-style: chr6-79675470-C-T.
Other names: short protein forms G1110E.
Identifiers: ClinVar variation 3893598 (VCV003893598.1).
Genomic context (GRCh38, chr6:78,965,753, plus strand): 5'-ACACACTTACCATTATTAGGTATAAGCTCCATATCCCAAGGACTCATCTTTTCTGTATCT[C>T]CATTGTCCCAGCTTAAAGAAAGAAAAATCATTATATTAAAAAATCTAAATTATTGTATCA-3'
Protein context (NP_060404.4, residues 1100-1120): FQCYNVCWDN[Gly1110Glu]DTEKMSPWDM